The following is an entry in ClinVar:

ClinVar aggregate classification (germline): Uncertain significance. Review status: criteria provided, multiple submitters, no conflicts (2 of 4 stars). 2 submissions from 2 submitters: Uncertain significance (2). Last evaluated 2025-11-15.

Conditions:
Pulmonary fibrosis and/or bone marrow failure, Telomere-related, 3. Also called: PULMONARY FIBROSIS AND/OR BONE MARROW FAILURE SYNDROME, TELOMERE-RELATED, 3. Identifiers: Orphanet 2032, MedGen C4225346, MONDO:0014613, OMIM 616373.
Dyskeratosis congenita, autosomal recessive 5 (DKCB5). Identifiers: MedGen C3554656, MONDO:0014076, OMIM 615190.
Inborn genetic diseases. Identifiers: MedGen C0950123, MeSH D030342.

gnomAD v4.1: 8 of 1,611,966 alleles (0.0005%); highest among the groups gnomAD compares: African/African-American, 0.0013%; no homozygotes.

Submissions (2):

Labcorp Genetics (formerly Invitae), Labcorp
Classification: Uncertain significance for Dyskeratosis congenita, autosomal recessive 5; Pulmonary fibrosis and/or bone marrow failure, Telomere-related, 3. Last evaluated: 2025-11-15. Review status: criteria provided, single submitter. Criteria: Invitae Variant Classification Sherloc (09022015). Collection method: clinical testing. Allele origin: germline.
Comment: This sequence change replaces glycine, which is neutral and non-polar, with alanine, which is neutral and non-polar, at codon 998 of the RTEL1 protein (p.Gly998Ala). This variant is present in population databases (rs750912944, gnomAD 0.002%). This variant has not been reported in the literature in individuals affected with RTEL1-related conditions. ClinVar contains an entry for this variant (Variation ID: 3436062). An algorithm developed to predict the effect of missense changes on protein structure and function (PolyPhen-2) suggests that this variant is likely to be tolerated. Algorithms developed to predict the effect of sequence changes on RNA splicing suggest that this variant may disrupt the consensus splice site. In summary, the available evidence is currently insufficient to determine the role of this variant in disease. Therefore, it has been classified as a Variant of Uncertain Significance.

Ambry Genetics
Classification: Uncertain significance for Inborn genetic diseases. Last evaluated: 2024-09-20. Review status: criteria provided, single submitter. Criteria: Ambry Variant Classification Scheme 2023. Collection method: clinical testing. Allele origin: germline.

NM_001283009.2(RTEL1):c.2993G>C (p.Gly998Ala)

Genes: RTEL1 (regulator of telomere elongation helicase 1; plus strand), RTEL1-TNFRSF6B (RTEL1-TNFRSF6B readthrough (NMD candidate); plus strand). Cytogenetic location: 20q13.33.
Variant type: single nucleotide variant.
Coding change: c.2993G>C on transcript NM_001283009.2 (MANE Select); coding-DNA position 2993, G replaced by C.
Protein change: p.Gly998Ala; replaces glycine 998 with alanine.
Molecular consequence: missense variant. On other transcripts: non-coding transcript variant (1).
Genome position (GRCh38, 1-based): chr20:63,694,372, G>C. VCF-style: chr20-63694372-G-C. GRCh37 (hg19) VCF-style: chr20-62325725-G-C.
Other names: c.2324G>C, p.Gly775Ala (NM_001283010.1); c.2993G>C, p.Gly998Ala (NM_016434.4); c.3065G>C, p.Gly1022Ala (NM_032957.5); short protein forms G775A, G998A, G1022A.
Identifiers: ClinVar variation 3436062 (VCV003436062.2).